The following is an entry in ClinVar:

ClinVar aggregate classification (germline): Uncertain significance (1 of 4 stars; one submission).

Conditions:
Hereditary cancer-predisposing syndrome. Also called: Hereditary Cancer Syndrome; Tumor predisposition; Hereditary neoplastic syndrome; Neoplastic Syndromes, Hereditary. Identifiers: Orphanet 140162, MedGen C0027672, MeSH D009386, MONDO:0015356.

Submission:

Ambry Genetics
Classification: Uncertain significance for Hereditary cancer-predisposing syndrome. Last evaluated: 2024-07-02. Review status: criteria provided, single submitter. Criteria: Ambry Variant Classification Scheme 2023. Collection method: clinical testing. Allele origin: germline.
Comment: The p.C83S variant (also known as c.247T>A), located in coding exon 3 of the MRE11A gene, results from a T to A substitution at nucleotide position 247. The cysteine at codon 83 is replaced by serine, an amino acid with dissimilar properties. This amino acid position is conserved. In addition, this alteration is predicted to be deleterious by in silico analysis. Based on the available evidence, the clinical significance of this variant remains unclear.

NM_005591.4(MRE11):c.247T>A (p.Cys83Ser)

Gene: MRE11 (MRE11 double strand break repair nuclease; minus strand). Cytogenetic location: 11q21.
Variant type: single nucleotide variant.
Coding change: c.247T>A on transcript NM_005591.4 (MANE Select); coding-DNA position 247, T replaced by A.
Protein change: p.Cys83Ser; replaces cysteine 83 with serine.
Molecular consequence: missense variant.
Genome position (GRCh38, 1-based): chr11:94,485,991, A>T on the plus strand (T>A on the coding strand, the complement: MRE11 is on the minus strand). VCF-style: chr11-94485991-A-T. GRCh37 (hg19) VCF-style: chr11-94219157-A-T.
Other names: c.247T>A, p.Cys83Ser (NM_001330347.2, NM_005590.4); short protein forms C83S.
Identifiers: ClinVar variation 3397836 (VCV003397836.1).
Genomic context (GRCh38, chr11:94,485,991, plus strand): 5'-AACCAAAGTTGACTGACTGATCACTGAGAATTTCAAACTGGACAGGCCGATCACCCATAC[A>T]ATATTTTCTTAATAACTCGAGGCAGGTATGTAATGTTTTCCTTGAGGGCTTATTTTCATG-3'
Protein context (NP_005582.1, residues 73-93): HTCLELLRKY[Cys83Ser]MGDRPVQFEI